The following is an entry in ClinVar:

ClinVar aggregate classification (germline): Uncertain significance (1 of 4 stars; one submission).

Submission:

Labcorp Genetics (formerly Invitae), Labcorp
Classification: Uncertain significance. Last evaluated: 2021-08-13. Review status: criteria provided, single submitter. Criteria: Invitae Variant Classification Sherloc (09022015). Collection method: clinical testing. Allele origin: germline.
Comment: In summary, the available evidence is currently insufficient to determine the role of this variant in disease. Therefore, it has been classified as a Variant of Uncertain Significance. Advanced modeling of protein sequence and biophysical properties (such as structural, functional, and spatial information, amino acid conservation, physicochemical variation, residue mobility, and thermodynamic stability) performed at Invitae indicates that this missense variant is not expected to disrupt TLK2 protein function. This variant has not been reported in the literature in individuals affected with TLK2-related conditions. This variant is not present in population databases (ExAC no frequency). This sequence change replaces glutamic acid with glutamine at codon 705 of the TLK2 protein (p.Glu705Gln). The glutamic acid residue is highly conserved and there is a small physicochemical difference between glutamic acid and glutamine.

NM_006852.6(TLK2):c.2113G>C (p.Glu705Gln)

Gene: TLK2 (tousled like kinase 2; plus strand). Cytogenetic location: 17q23.2.
Variant type: single nucleotide variant.
Coding change: c.2113G>C on transcript NM_006852.6 (MANE Select); coding-DNA position 2113, G replaced by C.
Protein change: p.Glu705Gln; replaces glutamic acid 705 with glutamine.
Molecular consequence: missense variant.
Genome position (GRCh38, 1-based): chr17:62,612,425, G>C. VCF-style: chr17-62612425-G-C. GRCh37 (hg19) VCF-style: chr17-60689786-G-C.
Other names: c.2179G>C, p.Glu727Gln (NM_001284333.3); c.2017G>C, p.Glu673Gln (NM_001284363.1, NM_001375272.1); c.1666G>C, p.Glu556Gln (NM_001330418.3, NM_001375273.1); c.2155G>C, p.Glu719Gln (NM_001375269.1); c.2113G>C, p.Glu705Gln (NM_001375270.1, NM_001375271.1); short protein forms E556Q, E719Q, E727Q, E673Q, E705Q.
Identifiers: ClinVar variation 1472968 (VCV001472968.6), dbSNP rs2147359896, ClinGen allele CA400516189.